The following is an entry in ClinVar:

ClinVar aggregate classification (germline): Uncertain significance. Review status: criteria provided, multiple submitters, no conflicts (2 of 4 stars). 2 submissions from 2 submitters: Uncertain significance (2). Last evaluated 2025-02-23.

Conditions:
Hereditary cancer-predisposing syndrome. Also called: Hereditary neoplastic syndrome; Tumor predisposition; Neoplastic Syndromes, Hereditary; Hereditary Cancer Syndrome. Identifiers: Orphanet 140162, MedGen C0027672, MeSH D009386, MONDO:0015356.
Multiple endocrine neoplasia, type 2 (MEN2). Identifiers: Orphanet 653, MedGen C4048306, MONDO:0019003. Disease mechanism: gain of function.

Submissions (2):

Ambry Genetics
Classification: Uncertain significance for Hereditary cancer-predisposing syndrome. Last evaluated: 2025-02-23. Review status: criteria provided, single submitter. Criteria: Ambry Variant Classification Scheme 2023. Collection method: clinical testing. Allele origin: germline.
Comment: The p.R1089G variant (also known as c.3265A>G), located in coding exon 20 of the RET gene, results from an A to G substitution at nucleotide position 3265. The arginine at codon 1089 is replaced by glycine, an amino acid with dissimilar properties. This amino acid position is highly conserved in available vertebrate species. In addition, this alteration is predicted to be deleterious by in silico analysis. Since supporting evidence is limited at this time, the clinical significance of this alteration remains unclear.

Labcorp Genetics (formerly Invitae), Labcorp
Classification: Uncertain significance for Multiple endocrine neoplasia, type 2. Last evaluated: 2024-05-19. Review status: criteria provided, single submitter. Criteria: Invitae Variant Classification Sherloc (09022015). Collection method: clinical testing. Allele origin: germline.
Comment: This sequence change replaces arginine, which is basic and polar, with glycine, which is neutral and non-polar, at codon 1089 of the RET protein (p.Arg1089Gly). This variant is not present in population databases (gnomAD no frequency). This variant has not been reported in the literature in individuals affected with RET-related conditions. ClinVar contains an entry for this variant (Variation ID: 1345530). An algorithm developed to predict the effect of missense changes on protein structure and function (PolyPhen-2) suggests that this variant is likely to be disruptive. In summary, the available evidence is currently insufficient to determine the role of this variant in disease. Therefore, it has been classified as a Variant of Uncertain Significance.

NM_020975.6(RET):c.3265A>G (p.Arg1089Gly)

Gene: RET (ret proto-oncogene; plus strand). Cytogenetic location: 10q11.21.
Variant type: single nucleotide variant.
Coding change: c.3265A>G on transcript NM_020975.6 (MANE Select); coding-DNA position 3265, A replaced by G.
Protein change: p.Arg1089Gly; replaces arginine 1089 with glycine.
Molecular consequence: missense variant.
Genome position (GRCh38, 1-based): chr10:43,128,189, A>G. VCF-style: chr10-43128189-A-G. GRCh37 (hg19) VCF-style: chr10-43623637-A-G.
Other names: short protein forms R1089G.
Identifiers: ClinVar variation 1345530 (VCV001345530.9), dbSNP rs864622486, ClinGen allele CA376559043.
Genomic context (GRCh38, chr10:43,128,189, plus strand): 5'-TGGCCTGGAGAGAGTCCTGTACCACTCACGAGAGCTGATGGCACTAACACTGGGTTTCCA[A>G]GATATCCAAATGATAGTGTATATGCTAACTGGATGCTTTCACCCTCAGCGGCAAAATTAA-3'
Protein context (NP_066124.1, residues 1079-1099): RADGTNTGFP[Arg1089Gly]YPNDSVYANW